The following is an entry in ClinVar:

ClinVar aggregate classification (germline): Benign (1 of 4 stars; one submission).

Conditions:
Sorsby fundus dystrophy (SFD). Also called: MACULAR DYSTROPHY, HEMORRHAGIC; FUNDUS DYSTROPHY, PSEUDOINFLAMMATORY, OF SORSBY; Sorsby fundus dystrophy, Lavia type. Identifiers: Orphanet 59181, MedGen C1850938, MONDO:0007640, OMIM 136900.

Allele frequency attached by ClinVar (database versions not stated): 1000 Genomes Project 30x 0.01437; 1000 Genomes Project 0.01458; TOPMed 0.01782.
gnomAD v4.1: 2,521 of 152,226 alleles (1.7%); highest among the groups gnomAD compares: Middle Eastern, 4.4%; 37 homozygotes.

Submission:

Illumina Laboratory Services, Illumina
Classification: Benign for Sorsby fundus dystrophy. Last evaluated: 2018-01-13. Review status: criteria provided, single submitter. Criteria: ICSL Variant Classification Criteria 13 December 2019. Collection method: clinical testing. Allele origin: germline.
Comment: This variant was observed in the ICSL laboratory as part of a predisposition screen in an ostensibly healthy population. It had not been previously curated by ICSL or reported in the Human Gene Mutation Database (HGMD: prior to June 1st, 2018), and was therefore a candidate for classification through an automated scoring system. Utilizing variant allele frequency, disease prevalence and penetrance estimates, and inheritance mode, an automated score was calculated to assess if this variant is too frequent to cause the disease. Based on the score and internal cut-off values, a variant classified as benign is not then subjected to further curation. The score for this variant resulted in a classification of benign for this disease.

NM_000362.4(TIMP3):c.-898T>A

Genes: SYN3 (synapsin III; minus strand), TIMP3 (TIMP metallopeptidase inhibitor 3; plus strand). Cytogenetic location: 22q12.3.
Variant type: single nucleotide variant.
Coding change: c.-898T>A on transcript NM_000362.4; 898 bases upstream of the start codon, T replaced by A.
Molecular consequence: intron variant (on NM_003490.4).
Genome position (GRCh38, 1-based): chr22:32,801,104, T>A. VCF-style: chr22-32801104-T-A. GRCh37 (hg19) VCF-style: chr22-33197090-T-A.
Other names: c.708+63811A>T (NM_001369909.1, NM_001135774.2, NM_001369910.1); c.711+63811A>T (NM_001369907.1, NM_003490.4, NM_001369908.1 and 1 more transcripts).
Identifiers: ClinVar variation 341329 (VCV000341329.7), dbSNP rs2234920, ClinGen allele CA10653389.